The following is an entry in ClinVar:

ClinVar aggregate classification (germline): Uncertain significance (1 of 4 stars; one submission).

Conditions:
COG1 congenital disorder of glycosylation (CDG2G). Also called: CONGENITAL DISORDER OF GLYCOSYLATION, TYPE IIg; CDG IIg; CDGII/COG1 CEREBROCOSTOMANDIBULAR-LIKE SYNDROME. Identifiers: Orphanet 263508, MedGen C2931011, MONDO:0012637, OMIM 611209.

Allele frequency attached by ClinVar (database versions not stated): gnomAD exomes 0.00001.
gnomAD v4.1: 15 of 1,614,208 alleles (0.00093%); highest among the groups gnomAD compares: Non-Finnish European, 0.0013%; no homozygotes.

Submission:

Labcorp Genetics (formerly Invitae), Labcorp
Classification: Uncertain significance for COG1 congenital disorder of glycosylation. Last evaluated: 2024-10-07. Review status: criteria provided, single submitter. Criteria: Invitae Variant Classification Sherloc (09022015). Collection method: clinical testing. Allele origin: germline.
Comment: This sequence change replaces valine, which is neutral and non-polar, with methionine, which is neutral and non-polar, at codon 208 of the COG1 protein (p.Val208Met). This variant is present in population databases (no rsID available, gnomAD 0.0009%). This variant has not been reported in the literature in individuals affected with COG1-related conditions. ClinVar contains an entry for this variant (Variation ID: 1978223). Invitae Evidence Modeling of protein sequence and biophysical properties (such as structural, functional, and spatial information, amino acid conservation, physicochemical variation, residue mobility, and thermodynamic stability) indicates that this missense variant is not expected to disrupt COG1 protein function with a negative predictive value of 80%. In summary, the available evidence is currently insufficient to determine the role of this variant in disease. Therefore, it has been classified as a Variant of Uncertain Significance.

NM_018714.3(COG1):c.622G>A (p.Val208Met)

Gene: COG1 (component of oligomeric golgi complex 1; plus strand). Cytogenetic location: 17q25.1.
Variant type: single nucleotide variant.
Coding change: c.622G>A on transcript NM_018714.3 (MANE Select); coding-DNA position 622, G replaced by A.
Protein change: p.Val208Met; replaces valine 208 with methionine.
Molecular consequence: missense variant.
Genome position (GRCh38, 1-based): chr17:73,196,961, G>A. VCF-style: chr17-73196961-G-A. GRCh37 (hg19) VCF-style: chr17-71193100-G-A.
Other names: short protein forms V208M.
Identifiers: ClinVar variation 1978223 (VCV001978223.4), dbSNP rs1312435995, ClinGen allele CA400884939.
Genomic context (GRCh38, chr17:73,196,961, plus strand): 5'-TCAACTATTCTGCATGAAAGCAAGATGTTGCTCAAATGCCAAGGTGTGTCTGACCAAGCT[G>A]TGGCCGAGGCCCTGTGCTCTATAATGCTCTTAGAAGAGAGTTCTCCTCGCCAAGCCCTCA-3'
Protein context (NP_061184.1, residues 198-218): LKCQGVSDQA[Val208Met]AEALCSIMLL